The following is an entry in ClinVar:

ClinVar aggregate classification (germline): Benign/Likely benign. Review status: criteria provided, multiple submitters, no conflicts (2 of 4 stars). 2 submissions from 2 submitters: Benign (1); Likely benign (1). Last evaluated 2025-11-01.

Conditions:
Aortic aneurysm, familial thoracic 6 (AAT6). Also called: FAMILIAL THORACIC AORTIC ANEURYSM WITH LIVEDO RETICULARIS AND IRIS FLOCCULI. Identifiers: MedGen C2673186, MONDO:0012730, OMIM 611788.

Allele frequency attached by ClinVar (database versions not stated): gnomAD 0.00001 and 0.00007; TOPMed 0.00002; gnomAD exomes 0.00011; ExAC 0.00014; 1000 Genomes Project 30x 0.00062; 1000 Genomes Project 0.00080.
gnomAD v4.1: 163 of 1,613,614 alleles (0.01%); highest among the groups gnomAD compares: East Asian, 0.35%; 1 homozygote.

Submissions (2):

Labcorp Genetics (formerly Invitae), Labcorp
Classification: Benign for Aortic aneurysm, familial thoracic 6. Last evaluated: 2025-11-01. Review status: criteria provided, single submitter. Criteria: Invitae Variant Classification Sherloc (09022015). Collection method: clinical testing. Allele origin: germline.

GeneDx
Classification: Likely benign. Last evaluated: 2017-03-17. Review status: criteria provided, single submitter. Criteria: GeneDx Variant Classification (06012015). Collection method: clinical testing. Allele origin: germline. Affected: yes.
Comment: This variant is considered likely benign or benign based on one or more of the following criteria: it is a conservative change, it occurs at a poorly conserved position in the protein, it is predicted to be benign by multiple in silico algorithms, and/or has population frequency not consistent with disease.

NM_001613.4(ACTA2):c.130-18T>C

Gene: ACTA2 (actin alpha 2, smooth muscle; minus strand). Cytogenetic location: 10q23.31.
Variant type: single nucleotide variant.
Coding change: c.130-18T>C on transcript NM_001613.4 (MANE Select); 18 bases into the intron before coding-DNA position 130, T replaced by C.
Molecular consequence: intron variant.
Genome position (GRCh38, 1-based): chr10:88,947,404, A>G on the plus strand (T>C on the coding strand, the complement: ACTA2 is on the minus strand). VCF-style: chr10-88947404-A-G. GRCh37 (hg19) VCF-style: chr10-90707161-A-G.
Other names: c.129+1398T>C (NM_001406467.1, NM_001406468.1, NM_001406469.1); c.130-18T>C (NM_001320855.2, NM_001406462.1, NM_001406471.1 and 4 more transcripts).
Identifiers: ClinVar variation 508186 (VCV000508186.6), dbSNP rs117106176, ClinGen allele CA026933.
Genomic context (GRCh38, chr10:88,947,404, plus strand): 5'-CACCCACGTAGCTGTCTTTTTGTCCCATTCCCACCATCACCCCCTAAAAAGGTTCAACAC[A>G]TTATGAGTCAGCATCTCCCAAAACTTGTGAATCAATTACAGCCAAGCCACAAAAGGTTAA-3'